The following is an entry in ClinVar:

ClinVar aggregate classification (germline): Uncertain significance (1 of 4 stars; one submission).

Conditions:
Baller-Gerold syndrome (BGS). Also called: CRANIOSYNOSTOSIS WITH RADIAL DEFECTS. Identifiers: Orphanet 1225, MedGen C0265308, MONDO:0009039, OMIM 218600.

Submission:

Labcorp Genetics (formerly Invitae), Labcorp
Classification: Uncertain significance for Baller-Gerold syndrome. Last evaluated: 2022-07-03. Review status: criteria provided, single submitter. Criteria: Invitae Variant Classification Sherloc (09022015). Collection method: clinical testing. Allele origin: germline.
Comment: In summary, the available evidence is currently insufficient to determine the role of this variant in disease. Therefore, it has been classified as a Variant of Uncertain Significance. Experimental studies and prediction algorithms are not available or were not evaluated, and the functional significance of this variant is currently unknown. ClinVar contains an entry for this variant (Variation ID: 1353799). This variant has not been reported in the literature in individuals affected with RECQL4-related conditions. This variant is not present in population databases (gnomAD no frequency). This sequence change replaces cysteine, which is neutral and slightly polar, with phenylalanine, which is neutral and non-polar, at codon 1088 of the RECQL4 protein (p.Cys1088Phe).

NM_004260.4(RECQL4):c.3263G>T (p.Cys1088Phe)

Gene: RECQL4 (RecQ like helicase 4; minus strand). Cytogenetic location: 8q24.3.
Variant type: single nucleotide variant.
Coding change: c.3263G>T on transcript NM_004260.4 (MANE Select); coding-DNA position 3263, G replaced by T.
Protein change: p.Cys1088Phe; replaces cysteine 1088 with phenylalanine.
Molecular consequence: missense variant.
Genome position (GRCh38, 1-based): chr8:144,512,041, C>A on the plus strand (G>T on the coding strand, the complement: RECQL4 is on the minus strand). VCF-style: chr8-144512041-C-A. GRCh37 (hg19) VCF-style: chr8-145737424-C-A.
Other names: short protein forms C1088F.
Identifiers: ClinVar variation 1353799 (VCV001353799.4), dbSNP rs780200030, ClinGen allele CA372669173.